The following is an entry in ClinVar:

NM_000548.5(TSC2):c.4108C>T (p.Pro1370Ser)

Gene: TSC2 (TSC complex subunit 2; plus strand). Cytogenetic location: 16p13.3.
Variant type: single nucleotide variant.
Coding change: c.4108C>T on transcript NM_000548.5 (MANE Select); coding-DNA position 4108, C replaced by T.
Protein change: p.Pro1370Ser; replaces proline 1370 with serine.
Molecular consequence: missense variant.
Genome position (GRCh38, 1-based): chr16:2,084,330, C>T. VCF-style: chr16-2084330-C-T. GRCh37 (hg19) VCF-style: chr16-2134331-C-T.
Other names: c.3907C>T, p.Pro1303Ser (NM_001077183.3); c.4039C>T, p.Pro1347Ser (NM_001114382.3); c.3799C>T, p.Pro1267Ser (NM_001318827.2); c.3763C>T, p.Pro1255Ser (NM_001318829.2); c.3376C>T, p.Pro1126Ser (NM_001318831.2); c.3940C>T, p.Pro1314Ser (NM_001318832.2); c.3910C>T, p.Pro1304Ser (NM_001363528.2); c.3976C>T, p.Pro1326Ser (NM_001370404.1); and 1 more; short protein forms P1370S, P1126S, P1255S, P1267S, P1327S, P1303S, P1304S, P1326S.
Identifiers: ClinVar variation 514571 (VCV000514571.15), dbSNP rs747293303, ClinGen allele CA050484.

ClinVar aggregate classification (germline): Benign/Likely benign. Review status: criteria provided, multiple submitters, no conflicts (2 of 4 stars). 6 submissions from 6 submitters: Benign (2); Likely benign (4). Last evaluated 2025-11-05.

Conditions:
Hereditary cancer-predisposing syndrome. Also called: Hereditary Cancer Syndrome; Tumor predisposition; Neoplastic Syndromes, Hereditary; Hereditary neoplastic syndrome. Identifiers: Orphanet 140162, MedGen C0027672, MeSH D009386, MONDO:0015356.
Tuberous sclerosis 2 (TSC2). Identifiers: Orphanet 805, MedGen C1860707, MONDO:0013199, OMIM 613254.

Allele frequency attached by ClinVar (database versions not stated): gnomAD exomes 0.00003 and 0.00004; ExAC 0.00004.
gnomAD v4.1: 35 of 1,612,724 alleles (0.0022%); highest among the groups gnomAD compares: South Asian, 0.029%; no homozygotes.

Submissions (6):

Labcorp Genetics (formerly Invitae), Labcorp
Classification: Benign for Tuberous sclerosis 2. Last evaluated: 2025-11-05. Review status: criteria provided, single submitter. Criteria: Invitae Variant Classification Sherloc (09022015). Collection method: clinical testing. Allele origin: germline.

Quest Diagnostics Nichols Institute San Juan Capistrano
Classification: Likely benign. Last evaluated: 2025-07-08. Review status: criteria provided, single submitter. Criteria: Quest Diagnostics criteria. Collection method: clinical testing. Allele origin: unknown.

Myriad Genetics, Inc.
Classification: Likely benign for Tuberous sclerosis 2. Last evaluated: 2024-08-20. Review status: criteria provided, single submitter. Criteria: Myriad Autosomal Dominant, Autosomal Recessive and X-Linked Classification Criteria (2023). Collection method: clinical testing. Allele origin: unknown.
Comment: This variant is considered likely benign. This variant has been observed at a population frequency that is significantly greater than expected given the associated disease prevalence and penetrance.

Ambry Genetics
Classification: Likely benign for Hereditary cancer-predisposing syndrome. Last evaluated: 2023-08-26. Review status: criteria provided, single submitter. Criteria: Ambry Variant Classification Scheme 2023. Collection method: clinical testing. Allele origin: germline.

Genome-Nilou Lab
Classification: Benign for Tuberous sclerosis 2. Last evaluated: 2021-11-07. Review status: criteria provided, single submitter. Criteria: ACMG Guidelines, 2015. Collection method: clinical testing. Allele origin: germline. Affected: no.

GeneDx
Classification: Likely benign. Last evaluated: 2018-01-10. Review status: criteria provided, single submitter. Criteria: GeneDx Variant Classification (06012015). Collection method: clinical testing. Allele origin: germline. Affected: yes.
Comment: This variant is considered likely benign or benign based on one or more of the following criteria: it is a conservative change, it occurs at a poorly conserved position in the protein, it is predicted to be benign by multiple in silico algorithms, and/or has population frequency not consistent with disease.